The following is an entry in ClinVar:

NM_139276.3(STAT3):c.1909G>A (p.Val637Met)

Gene: STAT3 (signal transducer and activator of transcription 3; minus strand). Cytogenetic location: 17q21.2.
Variant type: single nucleotide variant.
Coding change: c.1909G>A on transcript NM_139276.3 (MANE Select); coding-DNA position 1909, G replaced by A.
Protein change: p.Val637Met; replaces valine 637 with methionine.
Molecular consequence: missense variant.
Genome position (GRCh38, 1-based): chr17:42,322,474, C>T on the plus strand (G>A on the coding strand, the complement: STAT3 is on the minus strand). VCF-style: chr17-42322474-C-T. GRCh37 (hg19) VCF-style: chr17-40474492-C-T.
Other names: c.1909G>A, p.Val637Met (NM_001369512.1, NM_001369513.1, NM_001369514.1 and 9 more transcripts); c.1825G>A, p.Val609Met (NM_001384984.1); c.1831G>A, p.Val611Met (NM_001384985.1); c.1924G>A, p.Val642Met (NM_001384986.1, NM_001384990.1); c.1888G>A, p.Val630Met (NM_001384987.1); c.1813G>A, p.Val605Met (NM_001384989.1); c.1882G>A, p.Val628Met (NM_001384991.1); c.1849G>A, p.Val617Met (NM_001384992.1); short protein forms V637M, V605M, V609M, V611M, V617M, V628M, V630M, V642M.
Identifiers: ClinVar variation 18308 (VCV000018308.59), dbSNP rs113994139, ClinGen allele CA341510.

ClinVar aggregate classification (germline): Pathogenic. Review status: criteria provided, multiple submitters, no conflicts (2 of 4 stars). 10 submissions from 10 submitters: Pathogenic (7). 3 of the submissions do not count toward it. Last evaluated 2025-10-06.

Conditions:
Hyper-IgE recurrent infection syndrome 1, autosomal dominant. Also called: HYPER-IgE SYNDROME 1, AUTOSOMAL DOMINANT, WITH RECURRENT INFECTIONS; STAT3 Hyper IgE Syndrome; JOB SYNDROME; Job's Syndrome; Hyper-IgE recurrent infection syndrome 1. Identifiers: Orphanet 2314, MedGen C2936739, MONDO:0007818, OMIM 147060.
STAT3 gain of function. Identifiers: MedGen C4288261.
STAT3-related disorder. Also called: STAT3-related condition.
Hyper-IgE syndrome. Also called: Hyper-IgE recurrent infection syndrome. Identifiers: Orphanet 331223, MedGen C3887645, MONDO:0018037.

Submissions (10):

Labcorp Genetics (formerly Invitae), Labcorp
Classification: Pathogenic for STAT3 gain of function; Hyper-IgE recurrent infection syndrome 1, autosomal dominant. Last evaluated: 2025-10-06. Review status: criteria provided, single submitter. Criteria: Invitae Variant Classification Sherloc (09022015). Collection method: clinical testing. Allele origin: germline.
Comment: This sequence change replaces valine, which is neutral and non-polar, with methionine, which is neutral and non-polar, at codon 637 of the STAT3 protein (p.Val637Met). This variant is not present in population databases (gnomAD no frequency). This missense change has been observed in individual(s) with hyper-IgE syndrome (PMID: 17881745, 18706697, 21792878). In at least one individual the variant was observed to be de novo. It has also been observed to segregate with disease in related individuals. ClinVar contains an entry for this variant (Variation ID: 18308). Invitae Evidence Modeling of protein sequence and biophysical properties (such as structural, functional, and spatial information, amino acid conservation, physicochemical variation, residue mobility, and thermodynamic stability) indicates that this missense variant is expected to disrupt STAT3 protein function with a positive predictive value of 80%. Experimental studies have shown that this missense change affects STAT3 function (PMID: 26384563, 27799162). For these reasons, this variant has been classified as Pathogenic.

PreventionGenetics, part of Exact Sciences
Classification: Pathogenic for STAT3-related condition. Last evaluated: 2025-05-18. Review status: criteria provided, single submitter. Criteria: ACMG Guidelines, 2015. Collection method: clinical testing. Allele origin: germline.
Comment: The STAT3 c.1909G>A variant is predicted to result in the amino acid substitution p.Val637Met. This variant has been reported both as a recurrent de novo variant in individuals and as segregating with disease in kindreds with hyper-IgE syndrome (see for examples: Holland et al. 2007. PubMed ID: 17881745; Heimall et al. 2011. PubMed ID: 21288777; Baxter et al. 2021. PubMed ID: 33864888). Alternate missense variants affecting this same amino acid residue (p.Val637Ala and p.Val637Leu) have also been reported in individuals with hyper-IgE syndrome (Woellner et al. 2010. PubMed ID: 20159255; Holland et al. 2007. PubMed ID: 17881745). This variant is absent in a large population database (gnomAD), indicating this variant is rare. This variant is interpreted as pathogenic.

3billion
Classification: Pathogenic for Hyper-IgE recurrent infection syndrome 1, autosomal dominant. Last evaluated: 2024-11-20. Review status: criteria provided, single submitter. Criteria: ACMG Guidelines, 2015. Collection method: clinical testing. Allele origin: germline. Affected: yes.
Comment: The variant is not observed in the gnomAD v4.1.0 dataset. Predicted Consequence/Location: Missense variant. The variant is located in a mutational hot spot and/or well-established functional domain in which established pathogenic variants have been reported (PMID: 17881745). Missense changes are a common disease-causing mechanism. Functional studies provide moderate evidence of the variant having a damaging effect on the gene or gene product (PMID: 21792878, 27799162). In silico tool predictions suggest damaging effect of the variant on gene or gene product [REVEL: 0.80 (>=0.6, sensitivity 0.68 and specificity 0.92); 3Cnet: 1.00 (>=0.6, sensitivity 0.72 and precision 0.9)]. The same nucleotide change resulting in the same amino acid change has been previously reported as pathogenic/likely pathogenic with strong evidence (ClinVar ID: VCV000018308 /PMID: 17881745 /3billion dataset). The variant has been previously reported as de novo in at least two similarly affected unrelated individuals (PMID: 17881745, 18706697). The variant has been observed in multiple (>3) similarly affected unrelated individuals (PMID: 17881745, 18706697, 21792878). Different missense changes at the same codon (p.Val637Ala, p.Val637Leu) have been reported to be associated with STAT3 related disorder (ClinVar ID: VCV001705748, VCV002138014 /PMID: 17881745, 20159255). Therefore, this variant is classified as Pathogenic according to the recommendation of ACMG/AMP guideline.

GeneDx
Classification: Pathogenic. Last evaluated: 2022-12-28. Review status: criteria provided, single submitter. Criteria: GeneDx Variant Classification Process June 2021. Collection method: clinical testing. Allele origin: germline. Affected: yes.
Comment: Not observed at significant frequency in large population cohorts (gnomAD); Published functional studies suggest a damaging effect on transcriptional activity (Zhou et al., 2021); This variant is associated with the following publications: (PMID: 34466250, 17881745, 23659370, 18706697, 25038750, 27167980, 21288777, 22084479, 21792878, 27091139, 26293184, 28983403, 30410549, 31596517, 32047500, 32912316, 32768442, 32915432, 32944025, 32888943, 33717144, 33726816, 33864888, 22751495, 22591296, 32248557, 31737384, 36292796, 27799162, 29402895, 34824272, 23830147)

CeGaT Center for Human Genetics Tuebingen
Classification: Pathogenic. Last evaluated: 2019-08-01. Review status: criteria provided, single submitter. Criteria: CeGaT Center For Human Genetics Tuebingen Variant Classification Criteria Version 2. Collection method: clinical testing. Allele origin: germline. Affected: yes. Observed: 1 variant allele.

Revvity Omics, Revvity
Classification: Pathogenic. Last evaluated: 2019-02-15. Review status: criteria provided, single submitter. Criteria: ACMG Guidelines, 2015. Collection method: clinical testing. Allele origin: germline.

Women's Health and Genetics/Laboratory Corporation of America, LabCorp
Classification: Pathogenic for Hyper-IgE syndrome. Last evaluated: 2017-05-16. Review status: criteria provided, single submitter. Criteria: LabCorp Variant Classification Summary - May 2015. Collection method: clinical testing. Allele origin: germline.
Comment: Variant summary: The STAT3 c.1909G>A (p.Val637Met) variant involves the alteration of a conserved nucleotide and is located in SH2 domain of the protein. 3/4 in silico tools predict a damaging outcome for this variant (SNPsandGO not captured due to low reliability index). This variant has been reported in several patients with Hyper IgE syndrome, including evidences of reported de novo occurrence and cosegregation with disease and is absent in 121926 control chromosomes. Functional studies showed that p.V637M affects the STAT3 function (Tamassia_2010, Giacomelli_2011). In addition, multiple clinical diagnostic laboratories/reputable databases classified this variant as pathogenic. Taken together, this variant is classified as "pathogenic".

OMIM
Classification: Pathogenic for HYPER-IgE SYNDROME 1, AUTOSOMAL DOMINANT, WITH RECURRENT INFECTIONS. Last evaluated: 2007-10-18. Review status: no assertion criteria provided. Collection method: literature only. Allele origin: germline. Not counted in ClinVar's aggregate classification.

Department of Immunology, University Hospital Southampton NHSFT
Classification: Pathogenic for Hyper IgE Syndrome. Review status: no assertion criteria provided. Collection method: clinical testing. Allele origin: germline. Affected: yes. Not counted in ClinVar's aggregate classification.

GeneReviews
No classification provided. Condition: Hyper-IgE recurrent infection syndrome 1, autosomal dominant. Review status: no classification provided. Collection method: literature only. Allele origin: germline. Not counted in ClinVar's aggregate classification.

Literature cited by the submitters: PubMed 17881745 (cited by 6 submitters); PubMed 18706697 (cited by 3 submitters); PubMed 21792878 (cited by 3 submitters); PubMed 26384563 (cited by Labcorp Genetics (formerly Invitae), Labcorp); PubMed 27799162 (cited by Labcorp Genetics (formerly Invitae), Labcorp and 3billion); PubMed 20159255 (cited by Women's Health and Genetics/Laboratory Corporation of America, LabCorp); PubMed 27980540 (cited by Women's Health and Genetics/Laboratory Corporation of America, LabCorp); PubMed 18978467 (cited by Women's Health and Genetics/Laboratory Corporation of America, LabCorp); PubMed 18602572 (cited by Women's Health and Genetics/Laboratory Corporation of America, LabCorp); PubMed 20032313 (cited by Women's Health and Genetics/Laboratory Corporation of America, LabCorp); PubMed 29077208 (cited by Department of Immunology, University Hospital Southampton NHSFT); PubMed 20301786 (cited by GeneReviews).